The following is an entry in ClinVar:

NM_001267550.2(TTN):c.70162C>T (p.Arg23388Ter)

Genes: TTN (titin; minus strand), TTN-AS1 (TTN antisense RNA 1; plus strand), LOC126806422 (BRD4-independent group 4 enhancer GRCh37_chr2:179440205-179441404; plus strand). Cytogenetic location: 2q31.2.
Variant type: single nucleotide variant.
Coding change: c.70162C>T on transcript NM_001267550.2 (MANE Select); coding-DNA position 70162, C replaced by T.
Protein change: p.Arg23388Ter; replaces arginine 23388 with a stop codon.
Molecular consequence: nonsense.
Genome position (GRCh38, 1-based): chr2:178,575,970, G>A on the plus strand (C>T on the coding strand, the complement: TTN is on the minus strand). VCF-style: chr2-178575970-G-A. GRCh37 (hg19) VCF-style: chr2-179440697-G-A.
Other names: p.R21747*:CGA>TGA; p.Arg21747*; c.65239C>T, p.Arg21747Ter (NM_001256850.1); c.42967C>T, p.Arg14323Ter (NM_003319.4); c.62458C>T, p.Arg20820Ter (NM_133378.4); c.43342C>T, p.Arg14448Ter (NM_133432.3); c.43543C>T, p.Arg14515Ter (NM_133437.4); c.70162C>T (NM_001267550.1); short protein forms R21747*, R23388*, R20820*, R14323*, R14448*, R14515*.
Identifiers: ClinVar variation 202402 (VCV000202402.28), dbSNP rs781540455, ClinGen allele CA309303.
Genomic context (GRCh38, chr2:178,575,970, plus strand): 5'-ATCTGTTACATTCTGGGATAATCAGAAGAGTAAATGATTCCGTATTTTCAATGTTGGCTC[G>A]GTTTTTCAGGTTGATGTTATCTTTGGTCCATGTCACTTCAGGAGCAGGACGACCTTTAAT-3'

ClinVar aggregate classification (germline): Pathogenic/Likely pathogenic. Review status: criteria provided, multiple submitters, no conflicts (2 of 4 stars). 7 submissions from 7 submitters: Pathogenic (5); Likely pathogenic (1). 1 of the submissions does not count toward it. Last evaluated 2026-01-13.

Conditions:
Cardiovascular phenotype. Identifiers: MedGen CN230736.
Dilated cardiomyopathy 1G (CMD1G). Identifiers: Orphanet 154, MedGen C1858763, MONDO:0011400, OMIM 604145.
Autosomal recessive limb-girdle muscular dystrophy type 2J (LGMDR10). Also called: MUSCULAR DYSTROPHY, LIMB-GIRDLE, AUTOSOMAL RECESSIVE 10; Limb-girdle muscular dystrophy, type 2J. Identifiers: Orphanet 140922, MedGen C1837342, MONDO:0012127, OMIM 608807.
Primary familial dilated cardiomyopathy (FDC). Also called: Hypokinetic dilated cardiomyopathy, familial; Familial dilated cardiomyopathy. Identifiers: Orphanet 217607, MedGen C0340427, MONDO:0016333.

Allele frequency attached by ClinVar (database versions not stated): TOPMed below 0.00001.
gnomAD v4.1: 7 of 1,611,130 alleles (0.00043%); highest among the groups gnomAD compares: Non-Finnish European, 0.00059%; no homozygotes.

Submissions (7):

Labcorp Genetics (formerly Invitae), Labcorp
Classification: Pathogenic for Dilated cardiomyopathy 1G; Autosomal recessive limb-girdle muscular dystrophy type 2J. Last evaluated: 2026-01-13. Review status: criteria provided, single submitter. Criteria: Invitae Variant Classification Sherloc (09022015). Collection method: clinical testing. Allele origin: germline.
Comment: This sequence change creates a premature translational stop signal (p.Arg23388*) in the TTN gene. While this is not anticipated to result in nonsense mediated decay, it is expected to create a truncated TTN protein. This variant is present in population databases (rs781540455, gnomAD 0.007%). This premature translational stop signal has been observed in individuals with atrial fibrillation, dilated cardiomyopathy, and/or left ventricular non-compaction cardiomyopathy (PMID: 29029073, 30535219, 33190517, 34495297, 36264615; internal data). ClinVar contains an entry for this variant (Variation ID: 202402). This variant is located in the A band of TTN (PMID: 25589632). Truncating variants in this region are significantly overrepresented in patients affected with dilated cardiomyopathy (PMID: 25589632). Truncating variants in this region have also been reported in individuals affected with autosomal recessive centronuclear myopathy (PMID: 23975875). For these reasons, this variant has been classified as Pathogenic.

Women's Health and Genetics/Laboratory Corporation of America, LabCorp
Classification: Likely pathogenic for Primary familial dilated cardiomyopathy. Last evaluated: 2025-12-29. Review status: criteria provided, single submitter. Criteria: LabCorp Variant Classification Summary - May 2015. Collection method: clinical testing. Allele origin: germline.
Comment: Variant summary: TTN c.62458C>T (p.Arg20820X), also reported as NM_001267550:c.70162C>T (p.Arg23388X) and NM_003319:c.42967C>T (p.Arg14323X), results in a premature termination codon, predicted to cause a truncation of the encoded protein or absence of the protein due to nonsense mediated decay, which are commonly known mechanisms for disease. Loss of function variants in all TTN bands are strongly associated with a spectrum of autosomal recessive titinopathies when exon expression (proportion spliced in, PSI, 1=complete expression) in skeletal muscle is >0.1 (PMID: 36977548, 39198997, 29598826, 32778822, 29691892, 33449170, 36977548, internal data). In contrast, loss of function variants in all TTN bands are only strongly associated with autosomal dominant TTN-related cardiomyopathies if located in exons constitutively expressed (PSI >0.9) in cardiac muscle, excluding extreme C-terminal exons 359-363 (PMID: 25589632, 31216868, 32964742, 34662387, 27869827, Shetty et al., Nat Cardiovasc Res 2024,, internal data). This variant has a maximum skeletal muscle PSI of 0.968 and a maximum cardiac muscle PSI of 1.000. The variant was absent in 248470 control chromosomes. c.62458C>T has been observed in the presumed heterozygous state in multiple individual(s) affected with clinical features of Dilated Cardiomyopathy, atrial fibrillation, and other unspecified cardiomyopathies (example, Brown_2020, Massier_2025, Yoneda_2021, Bourfiss_2022, Choi_2018, Escobar-Lopez_2021, Labcorp Genetics (formerly Invitae)), without evidence of segregation within families. These report(s) do not provide unequivocal conclusions about association of the variant with TTN-related conditions. To our knowledge, no experimental evidence demonstrating an impact on protein function has been reported. The following publications have been ascertained in the context of this evaluation (PMID: 33190517, 39844436, 40155426, 31691645, 34674813, 33373724, 35544052, 38438525, 34495297, 39453294, 36264615, 29029073, 30535219). ClinVar contains an entry for this variant (Variation ID: 202402). Based on the evidence outlined above, the variant was classified as likely pathogenic for both autosomal dominant and autosomal recessive TTN-related conditions.

GeneDx
Classification: Pathogenic. Last evaluated: 2025-09-11. Review status: criteria provided, single submitter. Criteria: GeneDx Variant Classification Process June 2021. Collection method: clinical testing. Allele origin: germline. Affected: yes.
Comment: Identified in patients with left ventricular noncompaction (LVNC), dilated cardiomyopathy (DCM), and early-onset atrial fibrillation in the published literature (PMID: 29029073, 30535219, 33190517, 34495297); Located in the A-band, a region of TTN for which truncating variants are significantly associated with autosomal dominant cardiomyopathy and also with autosomal recessive skeletal myopathies (PMID: 22335739, 32778822); Nonsense variant predicted to result in protein truncation or nonsense mediated decay in a gene for which loss of function is a known mechanism of disease; Not observed at significant frequency in large population cohorts (gnomAD); This variant is associated with the following publications: (PMID: 30535219, 33190517, 36264615, 31691645, 34495297, 29029073, 22335739, 32778822, 39844436)

Ambry Genetics
Classification: Pathogenic for Cardiovascular phenotype. Last evaluated: 2025-01-03. Review status: criteria provided, single submitter. Criteria: Ambry Variant Classification Scheme 2023. Collection method: clinical testing. Allele origin: germline.
Comment: The p.R14323* pathogenic mutation (also known as c.42967C>T), located in coding exon 153 of the TTN gene, results from a C to T substitution at nucleotide position 42967. This changes the amino acid from an arginine to a stop codon within coding exon 153. This exon is located in the A-band region of the N2-B isoform of the titin protein and is constitutively expressed in TTN transcripts (percent spliced in or PSI 100%). This variant (also referred to as NM_001267550:c.70162C>T, p.R23388X) was reported in individual(s) with features consistent with dilated cardiomyopathy, left ventricular noncompaction, and early onset atrial fibrillation (Sedaghat-Hamedani F et al. Eur Heart J, 2017 Dec;38:3449-3460; Choi SH et al. JAMA, 2018 12;320:2354-2364; Brown EE et al. Circ Genom Precis Med. 2020 Dec;13(6):e003082; Ambry internal data). This variant is considered to be rare based on population cohorts in the Genome Aggregation Database (gnomAD). This alteration is expected to result in loss of function by premature protein truncation or nonsense-mediated mRNA decay. While truncating variants in TTN are present in 1-3% of the general population, truncating variants in the A-band are the most common cause of dilated cardiomyopathy (DCM) (Herman DS et al. N. Engl. J. Med., 2012 Feb;366:619-28; Roberts AM et al. Sci Transl Med, 2015 Jan;7:270ra6). TTN truncating variants encoded in constitutive exons (PSI >90%) have been found to be significantly associated with DCM regardless of their position in titin (Schafer S et al. Nat. Genet., 2017 01;49:46-53). Based on the supporting evidence, this variant is interpreted as a disease-causing mutation.

Mayo Clinic Laboratories, Mayo Clinic
Classification: Pathogenic. Last evaluated: 2024-11-19. Review status: criteria provided, single submitter. Criteria: ACMG Guidelines, 2015. Collection method: clinical testing. Allele origin: germline. Observed: 2 variant alleles.
Comment: PM2_supporting, PS4_moderate, PVS1

ARUP Laboratories, Molecular Genetics and Genomics, ARUP Laboratories
Classification: Pathogenic. Last evaluated: 2018-07-06. Review status: criteria provided, single submitter. Criteria: ARUP Molecular Germline Variant Investigation Process. Collection method: clinical testing. Allele origin: germline.

Cardiogenetics and Myogenetics Molecular and Cellular Functional Unit, Aphp Sorbonne University-Hopital Pitie Salpetriere
Classification: Likely pathogenic for Dilated cardiomyopathy 1G. Last evaluated: 2024-01-06. Review status: no assertion criteria provided. Collection method: clinical testing. Allele origin: germline. Affected: yes. Not counted in ClinVar's aggregate classification.

Literature cited by the submitters: PubMed 29029073 (cited by 4 submitters); PubMed 30535219 (cited by 4 submitters); PubMed 33190517 (cited by 4 submitters); PubMed 34495297 (cited by 3 submitters); PubMed 36264615 (cited by 3 submitters); PubMed 25589632 (cited by Labcorp Genetics (formerly Invitae), Labcorp and Mayo Clinic Laboratories, Mayo Clinic); PubMed 23975875 (cited by Labcorp Genetics (formerly Invitae), Labcorp); PubMed 31691645 (cited by Women's Health and Genetics/Laboratory Corporation of America, LabCorp); PubMed 33373724 (cited by Women's Health and Genetics/Laboratory Corporation of America, LabCorp); PubMed 35544052 (cited by Women's Health and Genetics/Laboratory Corporation of America, LabCorp); PubMed 39844436 (cited by Women's Health and Genetics/Laboratory Corporation of America, LabCorp); PubMed 39453294 (cited by Women's Health and Genetics/Laboratory Corporation of America, LabCorp); PubMed 34674813 (cited by Women's Health and Genetics/Laboratory Corporation of America, LabCorp); PubMed 38438525 (cited by Women's Health and Genetics/Laboratory Corporation of America, LabCorp); PubMed 40155426 (cited by Women's Health and Genetics/Laboratory Corporation of America, LabCorp).